The following is an entry in ClinVar:

ClinVar aggregate classification (germline): Uncertain significance. Review status: criteria provided, multiple submitters, no conflicts (2 of 4 stars). 4 submissions from 4 submitters: Uncertain significance (4). Last evaluated 2025-06-12.

Conditions:
Autosomal recessive nonsyndromic hearing loss 4 (DFNB4). Also called: NEUROSENSORY NONSYNDROMIC RECESSIVE DEAFNESS 4; DEAFNESS, AUTOSOMAL RECESSIVE 4, WITH ENLARGED VESTIBULAR AQUEDUCT, DIGENIC; Deafness, autosomal recessive 4, with enlarged vestibular aqueduct; Deafness, autosomal recessive 4; Nonsyndromic enlarged vestibular aqueduct (NSEVA); FOXI1-Related Pendred Syndrome. Identifiers: Orphanet 90636, MedGen C3538946, MONDO:0010933, OMIM 600791.

Allele frequency attached by ClinVar (database versions not stated): gnomAD exomes 0.00005 and 0.00009; ExAC 0.00012; ESP Exome Variant Server 0.00031; gnomAD 0.00031 and 0.00034; TOPMed 0.00035.

Submissions (4):

Labcorp Genetics (formerly Invitae), Labcorp
Classification: Uncertain significance. Last evaluated: 2025-06-12. Review status: criteria provided, single submitter. Criteria: Invitae Variant Classification Sherloc (09022015). Collection method: clinical testing. Allele origin: germline.
Comment: This sequence change replaces glycine, which is neutral and non-polar, with serine, which is neutral and polar, at codon 333 of the FOXI1 protein (p.Gly333Ser). This variant is present in population databases (rs145046338, gnomAD 0.09%). This variant has not been reported in the literature in individuals affected with FOXI1-related conditions. ClinVar contains an entry for this variant (Variation ID: 286747). An algorithm developed to predict the effect of missense changes on protein structure and function outputs the following: PolyPhen-2: "Benign". The serine amino acid residue is found in multiple mammalian species, which suggests that this missense change does not adversely affect protein function. In summary, the available evidence is currently insufficient to determine the role of this variant in disease. Therefore, it has been classified as a Variant of Uncertain Significance.

Fulgent Genetics
Classification: Uncertain significance for Autosomal recessive nonsyndromic hearing loss 4. Last evaluated: 2024-06-14. Review status: criteria provided, single submitter. Criteria: ACMG Guidelines, 2015. Collection method: clinical testing. Allele origin: germline.

Illumina Laboratory Services, Illumina
Classification: Uncertain significance for Autosomal recessive nonsyndromic hearing loss 4. Last evaluated: 2018-01-13. Review status: criteria provided, single submitter. Criteria: ICSL Variant Classification Criteria 13 December 2019. Collection method: clinical testing. Allele origin: germline.

Eurofins Ntd Llc (ga)
Classification: Uncertain significance. Last evaluated: 2016-03-15. Review status: criteria provided, single submitter. Criteria: EGL Classification Definitions 2015. Collection method: clinical testing. Allele origin: germline. Observed: 1 variant allele, 1 heterozygote.

NM_012188.5(FOXI1):c.997G>A (p.Gly333Ser)

Gene: FOXI1 (forkhead box I1; plus strand). Cytogenetic location: 5q35.1.
Variant type: single nucleotide variant.
Coding change: c.997G>A on transcript NM_012188.5 (MANE Select); coding-DNA position 997, G replaced by A.
Protein change: p.Gly333Ser; replaces glycine 333 with serine.
Molecular consequence: missense variant.
Genome position (GRCh38, 1-based): chr5:170,108,471, G>A. VCF-style: chr5-170108471-G-A. GRCh37 (hg19) VCF-style: chr5-169535475-G-A.
Other names: c.712G>A, p.Gly238Ser (NM_144769.4); short protein forms G333S, G238S.
Identifiers: ClinVar variation 286747 (VCV000286747.12), dbSNP rs145046338, ClinGen allele CA3555150.